The following is an entry in ClinVar:

NM_138691.3(TMC1):c.853A>C (p.Ile285Leu)

Gene: TMC1 (transmembrane channel like 1; plus strand). Cytogenetic location: 9q21.13.
Variant type: single nucleotide variant.
Coding change: c.853A>C on transcript NM_138691.3 (MANE Select); coding-DNA position 853, A replaced by C.
Protein change: p.Ile285Leu; replaces isoleucine 285 with leucine.
Molecular consequence: missense variant.
Genome position (GRCh38, 1-based): chr9:72,772,524, A>C. VCF-style: chr9-72772524-A-C. GRCh37 (hg19) VCF-style: chr9-75387440-A-C.
Other names: short protein forms I285L.
Identifiers: ClinVar variation 1314241 (VCV001314241.2), dbSNP rs2118127067, ClinGen allele CA373503284.
Genomic context (GRCh38, chr9:72,772,524, plus strand): 5'-ACAATTGGATGGATGAATTTCAGGTTGCCGCTCTCCTATTTTCTAGTGGGGATTATGTGC[A>C]TTGGATACAGCTTTCTGGTTGTCCTCAAAGCGTAAGTTTCATTTGTCTTTTGGGAAGCAA-3'
Protein context (NP_619636.2, residues 275-295): LSYFLVGIMC[Ile285Leu]GYSFLVVLKA

ClinVar aggregate classification (germline): Uncertain significance (1 of 4 stars; one submission).

Submission:

GeneDx
Classification: Uncertain significance. Last evaluated: 2021-03-25. Review status: criteria provided, single submitter. Criteria: GeneDx Variant Classification Process June 2021. Collection method: clinical testing. Allele origin: germline. Affected: yes.
Comment: Not observed in large population cohorts (Lek et al., 2016); In silico analysis supports that this missense variant does not alter protein structure/function; Has not been previously published as pathogenic or benign to our knowledge